The following is an entry in ClinVar:

NM_000059.4(BRCA2):c.855G>T (p.Lys285Asn)

Gene: BRCA2 (BRCA2 DNA repair associated; plus strand). Cytogenetic location: 13q13.1.
Variant type: single nucleotide variant.
Coding change: c.855G>T on transcript NM_000059.4 (MANE Select); coding-DNA position 855, G replaced by T.
Protein change: p.Lys285Asn; replaces lysine 285 with asparagine.
Molecular consequence: missense variant.
Genome position (GRCh38, 1-based): chr13:32,332,333, G>T. VCF-style: chr13-32332333-G-T. GRCh37 (hg19) VCF-style: chr13-32906470-G-T.
Other names: short protein forms K285N.
Identifiers: ClinVar variation 651563 (VCV000651563.23), dbSNP rs1389778857, ClinGen allele CA387760546.

ClinVar aggregate classification (germline): Conflicting classifications of pathogenicity. Review status: criteria provided, conflicting classifications (1 of 4 stars). 7 submissions from 7 submitters: Uncertain significance (5); Likely benign (2). Last evaluated 2026-02-01.

Conditions:
Breast-ovarian cancer, familial, susceptibility to, 2 (BROVCA2). Also called: BRCA2 Hereditary Breast and Ovarian Cancer. Identifiers: Orphanet 145, MedGen C2675520, MONDO:0012933, OMIM 612555. Disease mechanism: loss of function.
Hereditary breast ovarian cancer syndrome. Also called: Hereditary breast and ovarian cancer syndrome; Hereditary breast and ovarian cancer syndrome (HBOC); Hereditary breast and ovarian cancer; Hereditary breast and/or ovarian cancer syndrome; Breast and ovarian cancer; BRCA1- and BRCA2-Associated Hereditary Breast and Ovarian Cancer. Identifiers: Orphanet 145, MedGen C0677776, MeSH D061325, MONDO:0003582. Disease mechanism: loss of function.
Hereditary cancer-predisposing syndrome. Also called: Neoplastic Syndromes, Hereditary; Hereditary Cancer Syndrome; Tumor predisposition; Hereditary neoplastic syndrome. Identifiers: Orphanet 140162, MedGen C0027672, MeSH D009386, MONDO:0015356.

Allele frequency attached by ClinVar (database versions not stated): TOPMed 0.00001.

Submissions (7):

CeGaT Center for Human Genetics Tuebingen
Classification: Uncertain significance. Last evaluated: 2026-02-01. Review status: criteria provided, single submitter. Criteria: CeGaT Center For Human Genetics Tuebingen Variant Classification Criteria Version 2. Collection method: clinical testing. Allele origin: germline. Affected: yes. Observed: 1 variant allele.
Comment: BRCA2: PM2, BP1, BP4

Myriad Genetics, Inc.
Classification: Likely benign for Breast-ovarian cancer, familial, susceptibility to, 2. Last evaluated: 2025-11-18. Review status: criteria provided, single submitter. Criteria: Myriad Autosomal Dominant, Autosomal Recessive and X-Linked Classification Criteria (2023). Collection method: clinical testing. Allele origin: unknown.
Comment: This variant is considered likely benign. This variant is strongly associated with less severe personal and family histories of cancer, typical for individuals without pathogenic variants in this gene [PMID: 25085752].

Ambry Genetics
Classification: Uncertain significance for Hereditary cancer-predisposing syndrome. Last evaluated: 2025-11-08. Review status: criteria provided, single submitter. Criteria: Ambry Variant Classification Scheme 2023. Collection method: clinical testing. Allele origin: germline.
Comment: The p.K285N variant (also known as c.855G>T), located in coding exon 9 of the BRCA2 gene, results from a G to T substitution at nucleotide position 855. The lysine at codon 285 is replaced by asparagine, an amino acid with similar properties. This amino acid position is conserved. In addition, this alteration is predicted to be tolerated by in silico analysis. Since supporting evidence is limited at this time, the clinical significance of this alteration remains unclear.

Color Diagnostics, LLC DBA Color Health
Classification: Uncertain significance for Hereditary cancer-predisposing syndrome. Last evaluated: 2025-08-27. Review status: criteria provided, single submitter. Criteria: ACMG Guidelines, 2015. Collection method: clinical testing. Allele origin: germline.
Comment: This missense variant replaces lysine with asparagine at codon 285 of the BRCA2 protein. Computational prediction suggests that this variant may not impact protein structure and function. To our knowledge, functional studies have not been reported for this variant. This variant has not been reported in individuals affected with BRCA2-related disorders in the literature. This variant has not been identified in the general population by the Genome Aggregation Database (gnomAD). The available evidence is insufficient to determine the role of this variant in disease conclusively. Therefore, this variant is classified as a Variant of Uncertain Significance.

Labcorp Genetics (formerly Invitae), Labcorp
Classification: Uncertain significance for Hereditary breast ovarian cancer syndrome. Last evaluated: 2025-05-11. Review status: criteria provided, single submitter. Criteria: Invitae Variant Classification Sherloc (09022015). Collection method: clinical testing. Allele origin: germline.
Comment: This sequence change replaces lysine, which is basic and polar, with asparagine, which is neutral and polar, at codon 285 of the BRCA2 protein (p.Lys285Asn). This variant is not present in population databases (gnomAD no frequency). This variant has not been reported in the literature in individuals affected with BRCA2-related conditions. ClinVar contains an entry for this variant (Variation ID: 651563). Invitae Evidence Modeling of protein sequence and biophysical properties (such as structural, functional, and spatial information, amino acid conservation, physicochemical variation, residue mobility, and thermodynamic stability) indicates that this missense variant is not expected to disrupt BRCA2 protein function with a negative predictive value of 95%. In summary, the available evidence is currently insufficient to determine the role of this variant in disease. Therefore, it has been classified as a Variant of Uncertain Significance.

University of Washington Department of Laboratory Medicine, University of Washington
Classification: Likely benign for Hereditary cancer-predisposing syndrome. Last evaluated: 2023-03-23. Review status: criteria provided, single submitter. Criteria: Dines et al. (Genet Med. 2020). Collection method: curation. Allele origin: germline.
Comment: Missense variant in a coldspot region where missense variants are very unlikely to be pathogenic (PMID:31911673).

BRCA2 exon 10 coldspot. Reclassification based on statistical prior probability.

Blueprint Genetics
Classification: Uncertain significance. Last evaluated: 2022-10-06. Review status: criteria provided, single submitter. Criteria: ACMG Guidelines, 2015. Collection method: clinical testing. Allele origin: germline.

Literature cited by the submitters: PubMed 25085752 (cited by Myriad Genetics, Inc.).